The following is an entry in ClinVar:

ClinVar aggregate classification (germline): Uncertain significance. Review status: criteria provided, multiple submitters, no conflicts (2 of 4 stars). 3 submissions from 3 submitters: Uncertain significance (2). 1 of the submissions does not count toward it. Last evaluated 2025-10-03.

Conditions:
Anauxetic dysplasia. Identifiers: Orphanet 93347, MedGen C1846796, MONDO:0011773.
Metaphyseal chondrodysplasia, McKusick type (CHH). Also called: Cartilage-Hair Hypoplasia (CHH); Cartilage-hair hypoplasia. Identifiers: Orphanet 175, MedGen C0220748, MONDO:0009595, OMIM 250250.
RMRP-related disorder. Also called: RMRP-related condition.

Allele frequency attached by ClinVar (database versions not stated): gnomAD exomes 0.00004; TOPMed 0.00018.
gnomAD v4.1: 41 of 693,748 alleles (0.0059%); highest among the groups gnomAD compares: African/African-American, 0.025%; no homozygotes.

Submissions (3):

PreventionGenetics, part of Exact Sciences
Classification: Uncertain significance for RMRP-related condition. Last evaluated: 2025-10-03. Review status: criteria provided, single submitter. Criteria: ACMG Guidelines, 2015. Collection method: clinical testing. Allele origin: germline.
Comment: The RMRP n.171G>A is a noncoding alteration. To our knowledge, this variant has not been reported in the literature. This variant is reported in 0.028% of alleles in individuals of African descent in gnomAD. This variant is interpreted as uncertain in ClinVar (Variation ID: 966852). At this time, the clinical significance of this variant is uncertain due to the absence of conclusive functional and genetic evidence.

Labcorp Genetics (formerly Invitae), Labcorp
Classification: Uncertain significance for Anauxetic dysplasia. Last evaluated: 2022-05-27. Review status: criteria provided, single submitter. Criteria: Invitae Variant Classification Sherloc (09022015). Collection method: clinical testing. Allele origin: germline.
Comment: This variant occurs in the RMRP gene, which encodes an RNA molecule that does not result in a protein product. This variant is present in population databases (no rsID available, gnomAD 0.03%). This variant has not been reported in the literature in individuals affected with RMRP-related conditions. ClinVar contains an entry for this variant (Variation ID: 966852). In summary, the available evidence is currently insufficient to determine the role of this variant in disease. Therefore, it has been classified as a Variant of Uncertain Significance.

Natera, Inc.
Classification: Uncertain significance for Cartilage-hair hypoplasia. Last evaluated: 2020-03-28. Review status: no assertion criteria provided. Collection method: clinical testing. Allele origin: germline. Not counted in ClinVar's aggregate classification.

NR_003051.4(RMRP):n.172G>A

Gene: RMRP (RNA component of mitochondrial RNA processing endoribonuclease; minus strand). Cytogenetic location: 9p13.3.
Variant type: single nucleotide variant.
Genome position: GRCh38 VCF-style: chr9-35657848-C-T. GRCh37 (hg19) VCF-style: chr9-35657845-C-T.
Identifiers: ClinVar variation 966852 (VCV000966852.5), dbSNP rs995230090, ClinGen allele CA192745589.